The following is an entry in ClinVar:

NM_001367498.1(CNTNAP5):c.279G>A (p.Thr93=)

Gene: CNTNAP5 (contactin associated protein family member 5; plus strand). Cytogenetic location: 2q14.3.
Variant type: single nucleotide variant.
Coding change: c.279G>A on transcript NM_001367498.1 (MANE Select); coding-DNA position 279, G replaced by A.
Protein change: p.Thr93=; no amino-acid change (threonine 93 retained).
Molecular consequence: synonymous variant.
Genome position (GRCh38, 1-based): chr2:124,242,291, G>A. VCF-style: chr2-124242291-G-A. GRCh37 (hg19) VCF-style: chr2-124999868-G-A.
Other names: c.279G>A, p.Thr93= (NM_130773.4).
Identifiers: ClinVar variation 3043054 (VCV003043054.2), dbSNP rs779127795, ClinGen allele CA1855530.

ClinVar aggregate classification (germline): Likely benign (0 of 4 stars; one submission).

Conditions:
CNTNAP5-related disorder. Also called: CNTNAP5-related condition.

Allele frequency attached by ClinVar (database versions not stated): gnomAD exomes 0.00002; gnomAD 0.00003; ExAC 0.00004.
gnomAD v4.1: 29 of 1,612,084 alleles (0.0018%); highest among the groups gnomAD compares: South Asian, 0.018%; no homozygotes.

Submission:

PreventionGenetics, part of Exact Sciences
Classification: Likely benign for CNTNAP5-related condition. Last evaluated: 2019-06-21. Review status: no assertion criteria provided. Collection method: clinical testing. Allele origin: germline.
Comment: This variant is classified as likely benign based on ACMG/AMP sequence variant interpretation guidelines (Richards et al. 2015 PMID: 25741868, with internal and published modifications).